The following is an entry in ClinVar:

ClinVar aggregate classification (germline): Uncertain significance (1 of 4 stars; one submission).

Conditions:
Cardiomyopathy (CMYO). Also called: Cardiomyopathies. Identifiers: Orphanet 167848, MedGen C0878544, MONDO:0004994, HP:0001638. Inheritance: Various modes of inheritance.

gnomAD v4.1: 1 of 1,614,178 alleles (0.000062%); highest among the groups gnomAD compares: Non-Finnish European, 0.000085%; no homozygotes.

Submission:

Color Diagnostics, LLC DBA Color Health
Classification: Uncertain significance for Cardiomyopathy. Last evaluated: 2025-06-26. Review status: criteria provided, single submitter. Criteria: ACMG Guidelines, 2015. Collection method: clinical testing. Allele origin: germline.
Comment: This variant causes a T to G nucleotide substitution at the -13 position of intron 7 of the TPM1 gene. Splice site prediction tools are inconclusive regarding the impact of this variant on RNA splicing. To our knowledge, RNA studies have not been reported for this variant. This variant has not been reported in individuals affected with TPM1-related disorders in the literature. This variant has been identified in 1/251430 chromosomes in the general population by the Genome Aggregation Database (gnomAD). The available evidence is insufficient to determine the role of this variant in disease conclusively. Therefore, this variant is classified as a Variant of Uncertain Significance.

NM_001018005.2(TPM1):c.703-13T>G

Gene: TPM1 (tropomyosin 1; plus strand). Cytogenetic location: 15q22.2.
Variant type: single nucleotide variant.
Coding change: c.703-13T>G on transcript NM_001018005.2 (MANE Select); 13 bases into the intron before coding-DNA position 703, T replaced by G.
Molecular consequence: intron variant.
Genome position (GRCh38, 1-based): chr15:63,062,563, T>G. VCF-style: chr15-63062563-T-G. GRCh37 (hg19) VCF-style: chr15-63354762-T-G.
Other names: c.829-13T>G (NM_001365778.1, NM_001407323.1, NM_001407322.1 and 1 more transcripts); c.703-13T>G (NM_001407336.1, NM_001018020.2, NM_001407338.1 and 20 more transcripts); c.595-13T>G (NM_001330351.2, NM_001330344.2, NM_001018008.2 and 9 more transcripts).
Identifiers: ClinVar variation 4756953 (VCV004756953.1).